The following is an entry in ClinVar:

ClinVar aggregate classification (germline): Uncertain significance (1 of 4 stars; one submission).

Allele frequency attached by ClinVar (database versions not stated): gnomAD exomes below 0.00001.
gnomAD v4.1: 5 of 1,614,152 alleles (0.00031%); highest among the groups gnomAD compares: Non-Finnish European, 0.00042%; no homozygotes.

Submission:

Labcorp Genetics (formerly Invitae), Labcorp
Classification: Uncertain significance. Last evaluated: 2023-03-23. Review status: criteria provided, single submitter. Criteria: Invitae Variant Classification Sherloc (09022015). Collection method: clinical testing. Allele origin: germline.
Comment: In summary, the available evidence is currently insufficient to determine the role of this variant in disease. Therefore, it has been classified as a Variant of Uncertain Significance. This sequence change replaces arginine, which is basic and polar, with histidine, which is basic and polar, at codon 497 of the KCNQ5 protein (p.Arg497His). This variant is not present in population databases (gnomAD no frequency). This variant has not been reported in the literature in individuals affected with KCNQ5-related conditions. ClinVar contains an entry for this variant (Variation ID: 1997379). Advanced modeling of protein sequence and biophysical properties (such as structural, functional, and spatial information, amino acid conservation, physicochemical variation, residue mobility, and thermodynamic stability) performed at Invitae indicates that this missense variant is not expected to disrupt KCNQ5 protein function.

NM_019842.4(KCNQ5):c.1433G>A (p.Arg478His)

Gene: KCNQ5 (potassium voltage-gated channel subfamily Q member 5; plus strand). Cytogenetic location: 6q13.
Variant type: single nucleotide variant.
Coding change: c.1433G>A on transcript NM_019842.4 (MANE Select); coding-DNA position 1433, G replaced by A.
Protein change: p.Arg478His; replaces arginine 478 with histidine.
Molecular consequence: missense variant. On other transcripts: intron variant (1).
Genome position (GRCh38, 1-based): chr6:73,133,606, G>A. VCF-style: chr6-73133606-G-A. GRCh37 (hg19) VCF-style: chr6-73843329-G-A.
Other names: c.1406G>A, p.Arg469His (NM_001160130.2); c.1463G>A, p.Arg488His (NM_001160132.2); c.1490G>A, p.Arg497His (NM_001160133.2); c.1247+9094G>A (NM_001160134.2); short protein forms R488H, R469H, R478H, R497H.
Identifiers: ClinVar variation 1997379 (VCV001997379.4), dbSNP rs2150457713, ClinGen allele CA364828443.